The following is an entry in ClinVar:

ClinVar aggregate classification (germline): Conflicting classifications of pathogenicity. Review status: criteria provided, conflicting classifications (1 of 4 stars). 4 submissions from 4 submitters: Uncertain significance (2); Likely benign (2). Last evaluated 2024-07-16.

Conditions:
Inborn genetic diseases. Identifiers: MedGen C0950123, MeSH D030342.

Allele frequency attached by ClinVar (database versions not stated): gnomAD 0.00003; TOPMed 0.00004; ESP Exome Variant Server 0.00008.
gnomAD v4.1: 59 of 1,604,496 alleles (0.0037%); highest among the groups gnomAD compares: Middle Eastern, 0.017%; no homozygotes.

Submissions (4):

GeneDx
Classification: Uncertain significance. Last evaluated: 2024-07-16. Review status: criteria provided, single submitter. Criteria: GeneDx Variant Classification Process June 2021. Collection method: clinical testing. Allele origin: germline. Affected: yes.
Comment: Not observed at significant frequency in large population cohorts (gnomAD); In silico analysis indicates that this missense variant does not alter protein structure/function; Has not been previously published as pathogenic or benign to our knowledge

Blueprint Genetics
Classification: Likely benign. Last evaluated: 2024-06-11. Review status: criteria provided, single submitter. Criteria: ACMG Guidelines, 2015. Collection method: clinical testing. Allele origin: germline.

Ambry Genetics
Classification: Likely benign for Inborn genetic diseases. Last evaluated: 2023-08-02. Review status: criteria provided, single submitter. Criteria: Ambry Variant Classification Scheme 2023. Collection method: clinical testing. Allele origin: germline.

Labcorp Genetics (formerly Invitae), Labcorp
Classification: Uncertain significance. Last evaluated: 2022-06-19. Review status: criteria provided, single submitter. Criteria: Invitae Variant Classification Sherloc (09022015). Collection method: clinical testing. Allele origin: germline.
Comment: This sequence change replaces isoleucine, which is neutral and non-polar, with valine, which is neutral and non-polar, at codon 1110 of the VPS13A protein (p.Ile1110Val). This variant is present in population databases (rs375598784, gnomAD 0.003%). This variant has not been reported in the literature in individuals affected with VPS13A-related conditions. Algorithms developed to predict the effect of missense changes on protein structure and function output the following: SIFT: "Tolerated"; PolyPhen-2: "Benign"; Align-GVGD: "Class C0". The valine amino acid residue is found in multiple mammalian species, which suggests that this missense change does not adversely affect protein function. In summary, the available evidence is currently insufficient to determine the role of this variant in disease. Therefore, it has been classified as a Variant of Uncertain Significance.

NM_033305.3(VPS13A):c.3328A>G (p.Ile1110Val)

Gene: VPS13A (vacuolar protein sorting 13 homolog A; plus strand). Cytogenetic location: 9q21.2.
Variant type: single nucleotide variant.
Coding change: c.3328A>G on transcript NM_033305.3 (MANE Select); coding-DNA position 3328, A replaced by G.
Protein change: p.Ile1110Val; replaces isoleucine 1110 with valine.
Molecular consequence: missense variant.
Genome position (GRCh38, 1-based): chr9:77,283,639, A>G. VCF-style: chr9-77283639-A-G. GRCh37 (hg19) VCF-style: chr9-79898555-A-G.
Other names: c.3211A>G, p.Ile1071Val (NM_001018037.2); c.3328A>G, p.Ile1110Val (NM_001018038.3, NM_015186.4); c.3328A>G (NM_033305.2); short protein forms I1071V, I1110V.
Identifiers: ClinVar variation 2162356 (VCV002162356.5), dbSNP rs375598784, ClinGen allele CA5092221.